The following is an entry in ClinVar:

ClinVar aggregate classification (germline): Likely benign. Review status: criteria provided, multiple submitters, no conflicts (2 of 4 stars). 3 submissions from 3 submitters: Likely benign (3). Last evaluated 2026-05-05.

Conditions:
Charcot-Marie-Tooth disease axonal type 2O. Also called: Charcot-Marie-Tooth disease, axonal, type 20; CHARCOT-MARIE-TOOTH NEUROPATHY, AXONAL, TYPE 2O; CHARCOT-MARIE-TOOTH DISEASE, AXONAL, AUTOSOMAL DOMINANT, TYPE 2O; Charcot-Marie-Tooth Neuropathy Type 2O. Identifiers: Orphanet 284232, MedGen C3280220, MONDO:0013644, OMIM 614228.
DYNC1H1-related disorder. Also called: DYNC1H1-related condition; DYNC1H1-related disorders. Identifiers: MedGen CN381529.

Allele frequency attached by ClinVar (database versions not stated): gnomAD 0.00001 and 0.00003.
gnomAD v4.1: 26 of 1,614,154 alleles (0.0016%); highest among the groups gnomAD compares: African/African-American, 0.013%; no homozygotes.

Submissions (3):

PreventionGenetics, part of Exact Sciences
Classification: Likely benign for DYNC1H1-related condition. Last evaluated: 2026-05-05. Review status: criteria provided, single submitter. Criteria: ACMG Guidelines, 2015. Collection method: clinical testing. Allele origin: germline.
Comment: This variant is classified as likely benign based on ACMG/AMP sequence variant interpretation guidelines (Richards et al. 2015 PMID: 25741868, with internal and published modifications).

Labcorp Genetics (formerly Invitae), Labcorp
Classification: Likely benign for Charcot-Marie-Tooth disease axonal type 2O. Last evaluated: 2024-05-13. Review status: criteria provided, single submitter. Criteria: Invitae Variant Classification Sherloc (09022015). Collection method: clinical testing. Allele origin: germline.

Blueprint Genetics
Classification: Likely benign. Last evaluated: 2024-02-27. Review status: criteria provided, single submitter. Criteria: ACMG Guidelines, 2015. Collection method: clinical testing. Allele origin: germline.

NM_001376.5(DYNC1H1):c.4986G>A (p.Ser1662=)

Gene: DYNC1H1 (dynein cytoplasmic 1 heavy chain 1; plus strand). Cytogenetic location: 14q32.31.
Variant type: single nucleotide variant.
Coding change: c.4986G>A on transcript NM_001376.5 (MANE Select); coding-DNA position 4986, G replaced by A.
Protein change: p.Ser1662=; no amino-acid change (serine 1662 retained).
Molecular consequence: synonymous variant.
Genome position (GRCh38, 1-based): chr14:102,004,620, G>A. VCF-style: chr14-102004620-G-A. GRCh37 (hg19) VCF-style: chr14-102470957-G-A.
Other names: c.4986G>A (NM_001376.4).
Identifiers: ClinVar variation 1133380 (VCV001133380.11), dbSNP rs113210905, ClinGen allele CA266997372.